The following is an entry in ClinVar:

NM_000051.4(ATM):c.3084A>G (p.Leu1028=)

Gene: ATM (ATM serine/threonine kinase; plus strand). Cytogenetic location: 11q22.3.
Variant type: single nucleotide variant.
Coding change: c.3084A>G on transcript NM_000051.4 (MANE Select); coding-DNA position 3084, A replaced by G.
Protein change: p.Leu1028=; no amino-acid change (leucine 1028 retained).
Molecular consequence: synonymous variant.
Genome position (GRCh38, 1-based): chr11:108,272,538, A>G. VCF-style: chr11-108272538-A-G. GRCh37 (hg19) VCF-style: chr11-108143265-A-G.
Other names: c.3084A>G, p.Leu1028= (NM_001351834.2).
Identifiers: ClinVar variation 1558831 (VCV001558831.11), dbSNP rs1565427561, ClinGen allele CA476744740.

ClinVar aggregate classification (germline): Benign/Likely benign. Review status: criteria provided, multiple submitters, no conflicts (2 of 4 stars). 3 submissions from 3 submitters: Benign (1); Likely benign (2). Last evaluated 2024-05-13.

Conditions:
Hereditary cancer-predisposing syndrome. Also called: Neoplastic Syndromes, Hereditary; Hereditary Cancer Syndrome; Hereditary neoplastic syndrome; Tumor predisposition. Identifiers: Orphanet 140162, MedGen C0027672, MeSH D009386, MONDO:0015356.
Familial cancer of breast. Also called: hereditary breast carcinoma; BREAST CANCER, FAMILIAL; Hereditary breast cancer. Identifiers: Orphanet 227535, MedGen C0346153, MONDO:0016419, OMIM 114480. Disease mechanism: loss of function.
Ataxia-telangiectasia syndrome (AT). Also called: Cerebello-oculocutaneous telangiectasia; Immunodeficiency with ataxia telangiectasia; LOUIS-BAR SYNDROME; Ataxia-telangiectasia, complementation group D; AT, COMPLEMENTATION GROUP C; Ataxia-telangiectasia. Identifiers: Orphanet 100, MedGen C0004135, MONDO:0008840, OMIM 208900.

Submissions (3):

Myriad Genetics, Inc.
Classification: Benign for Familial cancer of breast. Last evaluated: 2024-05-13. Review status: criteria provided, single submitter. Criteria: Myriad Autosomal Dominant, Autosomal Recessive and X-Linked Classification Criteria (2023). Collection method: clinical testing. Allele origin: unknown.
Comment: This variant is considered benign. This variant is a silent/synonymous amino acid change and it is not expected to impact splicing.

Labcorp Genetics (formerly Invitae), Labcorp
Classification: Likely benign for Ataxia-telangiectasia syndrome. Last evaluated: 2021-05-25. Review status: criteria provided, single submitter. Criteria: Invitae Variant Classification Sherloc (09022015). Collection method: clinical testing. Allele origin: germline.

Ambry Genetics
Classification: Likely benign for Hereditary cancer-predisposing syndrome. Last evaluated: 2020-07-28. Review status: criteria provided, single submitter. Criteria: Ambry Variant Classification Scheme 2023. Collection method: clinical testing. Allele origin: germline.